The following is an entry in ClinVar:

ClinVar aggregate classification (germline): Likely pathogenic (1 of 4 stars; one submission).

Conditions:
Primary ciliary dyskinesia 23 (CILD23). Also called: CILIARY DYSKINESIA, PRIMARY, 23, WITH OR WITHOUT SITUS INVERSUS. Identifiers: Orphanet 244, MedGen C3809548, MONDO:0014193, OMIM 615451.

gnomAD v4.1: 2 of 1,497,526 alleles (0.00013%); highest among the groups gnomAD compares: Non-Finnish European, 0.00018%; no homozygotes.

Submission:

Labcorp Genetics (formerly Invitae), Labcorp
Classification: Likely pathogenic for Primary ciliary dyskinesia 23. Last evaluated: 2025-03-13. Review status: criteria provided, single submitter. Criteria: Invitae Variant Classification Sherloc (09022015). Collection method: clinical testing. Allele origin: germline.
Comment: This sequence change affects a donor splice site in intron 7 of the ARMC4 gene. It is expected to disrupt RNA splicing. Variants that disrupt the donor or acceptor splice site typically lead to a loss of protein function (PMID: 16199547), and loss-of-function variants in ARMC4 are known to be pathogenic (PMID: 23849778). This variant is not present in population databases (gnomAD no frequency). This variant has not been reported in the literature in individuals affected with ARMC4-related conditions. Algorithms developed to predict the effect of sequence changes on RNA splicing suggest that this variant may disrupt the consensus splice site. In summary, the currently available evidence indicates that the variant is pathogenic, but additional data are needed to prove that conclusively. Therefore, this variant has been classified as Likely Pathogenic.

Literature cited by the submitters: PubMed 16199547; PubMed 23849778.

NM_018076.5(ODAD2):c.936+1G>A

Gene: ODAD2 (outer dynein arm docking complex subunit 2; minus strand). Cytogenetic location: 10p12.1.
Variant type: single nucleotide variant.
Coding change: c.936+1G>A on transcript NM_018076.5 (MANE Select); the canonical splice donor site of the intron after coding-DNA position 936, G replaced by A.
Molecular consequence: splice donor variant.
Genome position (GRCh38, 1-based): chr10:27,981,465, C>T on the plus strand (G>A on the coding strand, the complement: ODAD2 is on the minus strand). VCF-style: chr10-27981465-C-T. GRCh37 (hg19) VCF-style: chr10-28270394-C-T.
Other names: c.936+1G>A (NM_001290020.2); c.12+1G>A (NM_001312689.2); c.-188+1G>A (NM_001290021.2).
Identifiers: ClinVar variation 4705641 (VCV004705641.1).